The following is an entry in ClinVar:

NM_001041.4(SI):c.1836G>T (p.Met612Ile)

Gene: SI (sucrase-isomaltase; minus strand). Cytogenetic location: 3q26.1.
Variant type: single nucleotide variant.
Coding change: c.1836G>T on transcript NM_001041.4 (MANE Select); coding-DNA position 1836, G replaced by T.
Protein change: p.Met612Ile; replaces methionine 612 with isoleucine.
Molecular consequence: missense variant.
Genome position (GRCh38, 1-based): chr3:165,046,892, C>A on the plus strand (G>T on the coding strand, the complement: SI is on the minus strand). VCF-style: chr3-165046892-C-A. GRCh37 (hg19) VCF-style: chr3-164764680-C-A.
Other names: short protein forms M612I.
Identifiers: ClinVar variation 2004741 (VCV002004741.4), dbSNP rs1713144965, ClinGen allele CA355052155.

ClinVar aggregate classification (germline): Uncertain significance (1 of 4 stars; one submission).

Submission:

Labcorp Genetics (formerly Invitae), Labcorp
Classification: Uncertain significance. Last evaluated: 2025-06-12. Review status: criteria provided, single submitter. Criteria: Invitae Variant Classification Sherloc (09022015). Collection method: clinical testing. Allele origin: germline.
Comment: This sequence change replaces methionine, which is neutral and non-polar, with isoleucine, which is neutral and non-polar, at codon 612 of the SI protein (p.Met612Ile). This variant is not present in population databases (gnomAD no frequency). This variant has not been reported in the literature in individuals affected with SI-related conditions. ClinVar contains an entry for this variant (Variation ID: 2004741). Invitae Evidence Modeling of protein sequence and biophysical properties (such as structural, functional, and spatial information, amino acid conservation, physicochemical variation, residue mobility, and thermodynamic stability) indicates that this missense variant is not expected to disrupt SI protein function with a negative predictive value of 95%. In summary, the available evidence is currently insufficient to determine the role of this variant in disease. Therefore, it has been classified as a Variant of Uncertain Significance.